The following is an entry in ClinVar:

NM_005530.3(IDH3A):c.467T>C (p.Ile156Thr)

Gene: IDH3A (isocitrate dehydrogenase (NAD(+)) 3 catalytic subunit alpha; plus strand). Cytogenetic location: 15q25.1.
Variant type: single nucleotide variant.
Coding change: c.467T>C on transcript NM_005530.3 (MANE Select); coding-DNA position 467, T replaced by C.
Protein change: p.Ile156Thr; replaces isoleucine 156 with threonine.
Molecular consequence: missense variant.
Genome position (GRCh38, 1-based): chr15:78,161,758, T>C. VCF-style: chr15-78161758-T-C. GRCh37 (hg19) VCF-style: chr15-78454100-T-C.
Other names: short protein forms I156T.
Identifiers: ClinVar variation 943990 (VCV000943990.9), dbSNP rs2074683498, ClinGen allele CA393542801.

ClinVar aggregate classification (germline): Uncertain significance (1 of 4 stars; one submission).

gnomAD v4.1: 1 of 1,613,948 alleles (0.000062%); no homozygotes.

Submission:

Labcorp Genetics (formerly Invitae), Labcorp
Classification: Uncertain significance. Last evaluated: 2023-07-03. Review status: criteria provided, single submitter. Criteria: Invitae Variant Classification Sherloc (09022015). Collection method: clinical testing. Allele origin: germline.
Comment: In summary, the available evidence is currently insufficient to determine the role of this variant in disease. Therefore, it has been classified as a Variant of Uncertain Significance. Advanced modeling of protein sequence and biophysical properties (such as structural, functional, and spatial information, amino acid conservation, physicochemical variation, residue mobility, and thermodynamic stability) performed at Invitae indicates that this missense variant is expected to disrupt IDH3A protein function. ClinVar contains an entry for this variant (Variation ID: 943990). This variant has not been reported in the literature in individuals affected with IDH3A-related conditions. This variant is not present in population databases (gnomAD no frequency). This sequence change replaces isoleucine, which is neutral and non-polar, with threonine, which is neutral and polar, at codon 156 of the IDH3A protein (p.Ile156Thr).